The following is an entry in ClinVar:

NM_080605.4(B3GALT6):c.217_231dup (p.Arg73_Arg77dup)

Gene: B3GALT6 (beta-1,3-galactosyltransferase 6; plus strand). Cytogenetic location: 1p36.33.
Variant type: Duplication.
Coding change: c.217_231dup on transcript NM_080605.4 (MANE Select); coding-DNA positions 217 to 231, 15 bases duplicated (CGCAGCGTGATCCGC).
Protein change: p.Arg73_Arg77dup.
Molecular consequence: inframe insertion.
Genome position (GRCh38, 1-based): chr1:1,232,495-1,232,509, CGCAGCGTGATCCGC duplicated; duplicating any 15 consecutive bases within chr1:1,232,492-1,232,509 gives the same sequence; the c. name uses the placement nearest the transcript's 3' end. VCF-style (leftmost placement, unchanged base first): chr1-1232491-G-GCGCCGCAGCGTGATC. GRCh37 (hg19) VCF-style: chr1-1167871-G-GCGCCGCAGCGTGATC.
Other names: c.217_231dup15 (NM_080605.3).
Identifiers: ClinVar variation 1358020 (VCV001358020.7), dbSNP rs1638539426, ClinGen allele CA997676025.

ClinVar aggregate classification (germline): Uncertain significance. Review status: criteria provided, multiple submitters, no conflicts (2 of 4 stars). 2 submissions from 2 submitters: Uncertain significance (2). Last evaluated 2026-07-21.

Conditions:
Spondyloepimetaphyseal dysplasia with joint laxity (SEMDJL). Identifiers: MedGen C0432243, MONDO:0019675.
Ehlers-Danlos syndrome, spondylodysplastic type, 2 (EDSSPD2). Also called: Ehlers-Danlos syndrome, progeroid type, 2. Identifiers: Orphanet 536467, Orphanet 75496, MedGen C3809210, MONDO:0014139, OMIM 615349.
B3GALT6-related disorder. Also called: B3GALT6-related condition.

Submissions (2):

PreventionGenetics, part of Exact Sciences
Classification: Uncertain significance for B3GALT6-related condition. Last evaluated: 2026-07-21. Review status: criteria provided, single submitter. Criteria: ACMG Guidelines, 2015. Collection method: clinical testing. Allele origin: germline.
Comment: The B3GALT6 c.217_231dup15 variant is predicted to result in an in-frame duplication (p.Arg73_Arg77dup). To our knowledge, this variant has not been reported in the literature or in a large population database (gnomAD), indicating this variant is rare. At this time, the clinical significance of this variant is uncertain due to the absence of conclusive functional and genetic evidence.

Labcorp Genetics (formerly Invitae), Labcorp
Classification: Uncertain significance for Ehlers-Danlos syndrome, spondylodysplastic type, 2; Spondyloepimetaphyseal dysplasia with joint laxity. Last evaluated: 2022-08-09. Review status: criteria provided, single submitter. Criteria: Invitae Variant Classification Sherloc (09022015). Collection method: clinical testing. Allele origin: germline.
Comment: This variant has not been reported in the literature in individuals affected with B3GALT6-related conditions. In summary, the available evidence is currently insufficient to determine the role of this variant in disease. Therefore, it has been classified as a Variant of Uncertain Significance. Experimental studies and prediction algorithms are not available or were not evaluated, and the functional significance of this variant is currently unknown. ClinVar contains an entry for this variant (Variation ID: 1358020). The frequency data for this variant in the population databases is considered unreliable, as metrics indicate insufficient coverage at this position in the gnomAD database. This variant, c.217_231dup, results in the insertion of 5 amino acid(s) of the B3GALT6 protein (p.Arg73_Arg77dup), but otherwise preserves the integrity of the reading frame.